The following is an entry in ClinVar:

ClinVar aggregate classification (germline): Uncertain significance (1 of 4 stars; one submission).

Allele frequency attached by ClinVar (database versions not stated): gnomAD exomes below 0.00001.

Submission:

Labcorp Genetics (formerly Invitae), Labcorp
Classification: Uncertain significance. Last evaluated: 2022-10-13. Review status: criteria provided, single submitter. Criteria: Invitae Variant Classification Sherloc (09022015). Collection method: clinical testing. Allele origin: germline.
Comment: In summary, the available evidence is currently insufficient to determine the role of this variant in disease. Therefore, it has been classified as a Variant of Uncertain Significance. Advanced modeling of protein sequence and biophysical properties (such as structural, functional, and spatial information, amino acid conservation, physicochemical variation, residue mobility, and thermodynamic stability) performed at Invitae indicates that this missense variant is expected to disrupt GNB3 protein function. This variant has not been reported in the literature in individuals affected with GNB3-related conditions. This variant is not present in population databases (gnomAD no frequency). This sequence change replaces methionine, which is neutral and non-polar, with valine, which is neutral and non-polar, at codon 101 of the GNB3 protein (p.Met101Val).

NM_002075.4(GNB3):c.301A>G (p.Met101Val)

Gene: GNB3 (G protein subunit beta 3; plus strand). Cytogenetic location: 12p13.31.
Variant type: single nucleotide variant.
Coding change: c.301A>G on transcript NM_002075.4 (MANE Select); coding-DNA position 301, A replaced by G.
Protein change: p.Met101Val; replaces methionine 101 with valine.
Molecular consequence: missense variant.
Genome position (GRCh38, 1-based): chr12:6,843,396, A>G. VCF-style: chr12-6843396-A-G. GRCh37 (hg19) VCF-style: chr12-6952560-A-G.
Other names: c.301A>G, p.Met101Val (NM_001297571.2); short protein forms M101V.
Identifiers: ClinVar variation 2168899 (VCV002168899.4), dbSNP rs2542349892, ClinGen allele CA383672288.